The following is an entry in ClinVar:

NM_000169.3(GLA):c.1235C>T (p.Thr412Ile)

Genes: GLA (galactosidase alpha; minus strand), RPL36A-HNRNPH2 (RPL36A-HNRNPH2 readthrough; plus strand). Cytogenetic location: Xq22.1.
Variant type: single nucleotide variant.
Coding change: c.1235C>T on transcript NM_000169.3 (MANE Select); coding-DNA position 1235, C replaced by T.
Protein change: p.Thr412Ile; replaces threonine 412 with isoleucine.
Molecular consequence: missense variant. On other transcripts: non-coding transcript variant (3), intron variant (2).
Genome position (GRCh38, 1-based): chrX:101,397,864, G>A on the plus strand (C>T on the coding strand, the complement: GLA is on the minus strand). VCF-style: chrX-101397864-G-A. GRCh37 (hg19) VCF-style: chrX-100652852-G-A.
Other names: c.1358C>T, p.Thr453Ile (NM_001406747.1); c.300+2407G>A (NM_001199973.2); c.177+6042G>A (NM_001199974.2); short protein forms T412I, T453I.
Identifiers: ClinVar variation 1071124 (VCV001071124.14), dbSNP rs2147470514, ClinGen allele CA413919083.
Genomic context (GRCh38, chrX:101,397,864, plus strand): 5'-ACATTTTAAAGTAAGTCTTTTAATGACATCTGCATTGTATTTTCTAGCTGAAGCAAAACA[G>A]TGCCTGTGGGATTTATGTGACTTCTTAACCTTGAAGTCCATTCATAGAACCCTAGCTTCC-3'
Protein context (NP_000160.1, residues 402-422): RLRSHINPTG[Thr412Ile]VLLQLENTMQ

ClinVar aggregate classification (germline): Pathogenic/Likely pathogenic. Review status: criteria provided, multiple submitters, no conflicts (2 of 4 stars). 3 submissions from 3 submitters: Pathogenic (1); Likely pathogenic (2). Last evaluated 2026-02-26.

Conditions:
Fabry disease. Also called: ALPHA-GALACTOSIDASE A DEFICIENCY; ANDERSON-FABRY DISEASE; CERAMIDE TRIHEXOSIDASE DEFICIENCY; GLA DEFICIENCY; HEREDITARY DYSTOPIC LIPIDOSIS; Fabry's disease. Identifiers: Orphanet 324, MedGen C0002986, MONDO:0010526, OMIM 301500, HP:0001071. Disease mechanism: Fabry disease is due to inactivating mutations in the X-linked GLA gene resulting in deficiency of the enzyme Alpha Galactosidase-A., loss of function.

Submissions (3):

GeneDx
Classification: Likely pathogenic. Last evaluated: 2026-02-26. Review status: criteria provided, single submitter. Criteria: GeneDx Variant Classification Process June 2021. Collection method: clinical testing. Allele origin: germline.
Comment: Not observed at significant frequency in large population cohorts (gnomAD); In silico analysis suggests that this missense variant does not alter protein structure/function; Has not been previously published as pathogenic or benign to our knowledge

Labcorp Genetics (formerly Invitae), Labcorp
Classification: Pathogenic for Fabry disease. Last evaluated: 2020-09-17. Review status: criteria provided, single submitter. Criteria: Invitae Variant Classification Sherloc (09022015). Collection method: clinical testing. Allele origin: germline.
Comment: For these reasons, this variant has been classified as Pathogenic. Algorithms developed to predict the effect of missense changes on protein structure and function are either unavailable or do not agree on the potential impact of this missense change (SIFT: "Deleterious"; PolyPhen-2: "Probably Damaging"; Align-GVGD: "Class C15"). This variant has been observed in individual(s) with Fabry disease (Invitae). It has also been observed to segregate with disease in related individuals. This variant is not present in population databases (ExAC no frequency). This sequence change replaces threonine with isoleucine at codon 412 of the GLA protein (p.Thr412Ile). The threonine residue is highly conserved and there is a moderate physicochemical difference between threonine and isoleucine.

Revvity Omics, Revvity
Classification: Likely pathogenic. Last evaluated: 2020-03-16. Review status: criteria provided, single submitter. Criteria: ACMG Guidelines, 2015. Collection method: clinical testing. Allele origin: germline.